The following is an entry in ClinVar:

NM_001369369.1(FOXN1):c.1537A>G (p.Arg513Gly)

Gene: FOXN1 (forkhead box N1; plus strand). Cytogenetic location: 17q11.2.
Variant type: single nucleotide variant.
Coding change: c.1537A>G on transcript NM_001369369.1 (MANE Select); coding-DNA position 1537, A replaced by G.
Protein change: p.Arg513Gly; replaces arginine 513 with glycine.
Molecular consequence: missense variant.
Genome position (GRCh38, 1-based): chr17:28,535,108, A>G. VCF-style: chr17-28535108-A-G. GRCh37 (hg19) VCF-style: chr17-26862126-A-G.
Other names: c.1537A>G, p.Arg513Gly (NM_003593.3); short protein forms R513G.
Identifiers: ClinVar variation 4743542 (VCV004743542.1).
Genomic context (GRCh38, chr17:28,535,108, plus strand): 5'-CTGCCTGCCCACACCCCACCCAGCCACAGTGCCAAGCTACTGGCCGAGCCTTCCCCAGCC[A>G]GGACTATGCACGACACCCTGCTGCCAGATGGAGACCTTGGCACTGACCTGGATGCCATCA-3'
Protein context (NP_001356298.1, residues 503-523): AKLLAEPSPA[Arg513Gly]TMHDTLLPDG

ClinVar aggregate classification (germline): Uncertain significance (1 of 4 stars; one submission).

Conditions:
T-cell immunodeficiency, congenital alopecia, and nail dystrophy. Also called: Congenital alopecia and nail dystrophy associated with severe functional T-cell immunodeficiency; Pignata Guarino syndrome. Identifiers: Orphanet 169095, MedGen C1866426, MONDO:0011132, OMIM 601705.

gnomAD v4.1: 6 of 1,607,780 alleles (0.00037%); highest among the groups gnomAD compares: South Asian, 0.0055%; no homozygotes.

Submission:

Labcorp Genetics (formerly Invitae), Labcorp
Classification: Uncertain significance for T-cell immunodeficiency, congenital alopecia, and nail dystrophy. Last evaluated: 2025-07-10. Review status: criteria provided, single submitter. Criteria: Invitae Variant Classification Sherloc (09022015). Collection method: clinical testing. Allele origin: germline.
Comment: This sequence change replaces arginine, which is basic and polar, with glycine, which is neutral and non-polar, at codon 513 of the FOXN1 protein (p.Arg513Gly). This variant is not present in population databases (gnomAD no frequency). This variant has not been reported in the literature in individuals affected with FOXN1-related conditions. Invitae Evidence Modeling of protein sequence and biophysical properties (such as structural, functional, and spatial information, amino acid conservation, physicochemical variation, residue mobility, and thermodynamic stability) indicates that this missense variant is not expected to disrupt FOXN1 protein function with a negative predictive value of 80%. In summary, the available evidence is currently insufficient to determine the role of this variant in disease. Therefore, it has been classified as a Variant of Uncertain Significance.